The following is an entry in ClinVar:

NM_001165963.4(SCN1A):c.1834dup (p.Arg612fs)

Gene: SCN1A (sodium voltage-gated channel alpha subunit 1; minus strand). Cytogenetic location: 2q24.3.
Variant type: Duplication.
Coding change: c.1834dup on transcript NM_001165963.4 (MANE Select); coding-DNA position 1834, one base duplicated (C; older notation c.1834dupC).
Protein change: p.Arg612fs; shifts the reading frame from arginine 612.
Molecular consequence: frameshift variant. On other transcripts: non-coding transcript variant (1), 5 prime UTR variant (1).
Genome position (GRCh38, 1-based): chr2:166,043,878, G duplicated on the plus strand (C on the coding strand, the reverse complement: SCN1A is on the minus strand); the first of 4 consecutive G bases (chr2:166,043,878-166,043,881); duplicating any one gives the same sequence. VCF-style (leftmost placement, unchanged base first): chr2-166043877-C-CG. GRCh37 (hg19) VCF-style: chr2-166900387-C-CG.
Other names: c.1834dup, p.Arg612fs (NM_006920.6, NM_001165964.3, NM_001202435.3 and 7 more transcripts); c.1831dup, p.Arg611fs (NM_001353954.2, NM_001353955.2, NM_001353960.2); c.-592dup (NM_001353961.2); short protein forms R611fs, R612fs.
Identifiers: ClinVar variation 1453362 (VCV001453362.7), dbSNP rs2105843194, ClinGen allele CA2573133535.

ClinVar aggregate classification (germline): Pathogenic (1 of 4 stars; one submission).

Conditions:
Early-infantile DEE. Also called: Early infantile epileptic encephalopathy with suppression bursts; Early infantile epileptic encephalopathy; Ohtahara syndrome. Identifiers: Orphanet 1934, MedGen C0393706, MONDO:0800491.

Submission:

Labcorp Genetics (formerly Invitae), Labcorp
Classification: Pathogenic for Early-infantile DEE. Last evaluated: 2022-07-11. Review status: criteria provided, single submitter. Criteria: Invitae Variant Classification Sherloc (09022015). Collection method: clinical testing. Allele origin: germline.
Comment: For these reasons, this variant has been classified as Pathogenic. ClinVar contains an entry for this variant (Variation ID: 1453362). This variant has not been reported in the literature in individuals affected with SCN1A-related conditions. This variant is not present in population databases (gnomAD no frequency). This sequence change creates a premature translational stop signal (p.Arg612Profs*16) in the SCN1A gene. It is expected to result in an absent or disrupted protein product. Loss-of-function variants in SCN1A are known to be pathogenic (PMID: 17347258, 18930999).

Literature cited by the submitters: PubMed 17347258; PubMed 18930999.